The following is an entry in ClinVar:

ClinVar aggregate classification (germline): Likely benign (1 of 4 stars; one submission).

gnomAD v4.1: 117 of 1,608,964 alleles (0.0073%); highest among the groups gnomAD compares: East Asian, 0.23%; no homozygotes.

Submission:

Mayo Clinic Laboratories, Mayo Clinic
Classification: Likely benign. Last evaluated: 2025-04-10. Review status: criteria provided, single submitter. Criteria: ACMG Guidelines, 2015. Collection method: clinical testing. Allele origin: germline. Observed: 1 variant allele.
Comment: BP4, BP7

NM_001346249.2(RALGAPA1):c.6243A>G (p.Ser2081=)

Gene: RALGAPA1 (Ral GTPase activating protein catalytic subunit alpha 1; minus strand). Cytogenetic location: 14q13.2.
Variant type: single nucleotide variant.
Coding change: c.6243A>G on transcript NM_001346249.2 (MANE Select); coding-DNA position 6243, A replaced by G.
Protein change: p.Ser2081=; no amino-acid change (serine 2081 retained).
Molecular consequence: synonymous variant.
Genome position (GRCh38, 1-based): chr14:35,627,704, T>C on the plus strand (A>G on the coding strand, the complement: RALGAPA1 is on the minus strand). VCF-style: chr14-35627704-T-C. GRCh37 (hg19) VCF-style: chr14-36096910-T-C.
Other names: p.Ser1575=; c.4764A>G, p.Ser1588= (NM_001283043.3); c.4866A>G, p.Ser1622= (NM_001283044.3, NM_001346245.2, NM_001346247.2); c.6102A>G, p.Ser2034= (NM_001330075.3, NM_001346248.2); c.4725A>G, p.Ser1575= (NM_001346243.2, NM_001346246.2, NM_014990.3 and 1 more transcripts).
Identifiers: ClinVar variation 4683847 (VCV004683847.1).